The following is an entry in ClinVar:

NM_001039672.3(YIF1B):c.621C>A (p.Ser207Arg)

Gene: YIF1B (Yip1 interacting factor homolog B, membrane trafficking protein; minus strand). Cytogenetic location: 19q13.2.
Variant type: single nucleotide variant.
Coding change: c.621C>A on transcript NM_001039672.3 (MANE Select); coding-DNA position 621, C replaced by A.
Protein change: p.Ser207Arg; replaces serine 207 with arginine.
Molecular consequence: missense variant.
Genome position (GRCh38, 1-based): chr19:38,307,671, G>T on the plus strand (C>A on the coding strand, the complement: YIF1B is on the minus strand). VCF-style: chr19-38307671-G-T. GRCh37 (hg19) VCF-style: chr19-38798311-G-T.
Other names: c.576C>A, p.Ser192Arg (NM_001039671.3); c.612C>A, p.Ser204Arg (NM_001039673.3, NM_001145463.2); c.570C>A, p.Ser190Arg (NM_001145461.2); c.528C>A, p.Ser176Arg (NM_001145462.2); short protein forms S176R, S190R, S192R, S204R, S207R.
Identifiers: ClinVar variation 1223230 (VCV001223230.3), dbSNP rs2146299693, ClinGen allele CA405644579.
Genomic context (GRCh38, chr19:38,307,671, plus strand): 5'-GCCCAAGAAGGCCACCAGGTCGATGGTGGTGAGGTCGGTGTTGACAGTGACCAGATAGAG[G>T]CTGAGCAGGATGGCCAGCACCTCCAGGGTCAGCCAGGCCAGGGCTGAGCTCGCTTGCAGC-3'
Protein context (NP_001034761.1, residues 197-217): LTLEVLAILL[Ser207Arg]LYLVTVNTDL

ClinVar aggregate classification (germline): Uncertain significance (1 of 4 stars; one submission).

Submission:

GeneDx
Classification: Uncertain significance. Last evaluated: 2020-01-21. Review status: criteria provided, single submitter. Criteria: GeneDx Variant Classification Process June 2021. Collection method: clinical testing. Allele origin: germline. Affected: yes.
Comment: Not observed in large population cohorts (Lek et al., 2016); In silico analysis, which includes protein predictors and evolutionary conservation, supports a deleterious effect; Has not been previously published as pathogenic or benign to our knowledge; Variants in candidate genes are classified as variants of uncertain significance in accordance with ACMG guidelines (Richards et al., 2015)